The following is an entry in ClinVar:

ClinVar aggregate classification (germline): Conflicting classifications of pathogenicity. Review status: criteria provided, conflicting classifications (1 of 4 stars). 3 submissions from 3 submitters: Uncertain significance (2); Likely benign (1). Last evaluated 2025-11-05.

Conditions:
Hereditary cancer-predisposing syndrome. Also called: Hereditary neoplastic syndrome; Tumor predisposition; Neoplastic Syndromes, Hereditary; Hereditary Cancer Syndrome. Identifiers: Orphanet 140162, MedGen C0027672, MeSH D009386, MONDO:0015356.
Hereditary breast ovarian cancer syndrome. Also called: Breast and ovarian cancer; Hereditary breast and ovarian cancer syndrome (HBOC); Hereditary breast and/or ovarian cancer syndrome; Hereditary breast and ovarian cancer; Hereditary breast and ovarian cancer syndrome; BRCA1- and BRCA2-Associated Hereditary Breast and Ovarian Cancer. Identifiers: Orphanet 145, MedGen C0677776, MeSH D061325, MONDO:0003582. Disease mechanism: loss of function.
Breast-ovarian cancer, familial, susceptibility to, 2 (BROVCA2). Also called: BRCA2 Hereditary Breast and Ovarian Cancer. Identifiers: Orphanet 145, MedGen C2675520, MONDO:0012933, OMIM 612555. Disease mechanism: loss of function.

Allele frequency attached by ClinVar (database versions not stated): gnomAD exomes below 0.00001.
gnomAD v4.1: 1 of 1,612,546 alleles (0.000062%); highest among the groups gnomAD compares: South Asian, 0.0011%; no homozygotes.

Submissions (3):

Labcorp Genetics (formerly Invitae), Labcorp
Classification: Uncertain significance for Hereditary breast ovarian cancer syndrome. Last evaluated: 2025-11-05. Review status: criteria provided, single submitter. Criteria: Invitae Variant Classification Sherloc (09022015). Collection method: clinical testing. Allele origin: germline.
Comment: This sequence change replaces lysine, which is basic and polar, with glutamic acid, which is acidic and polar, at codon 981 of the BRCA2 protein (p.Lys981Glu). This variant is not present in population databases (gnomAD no frequency). This variant has not been reported in the literature in individuals affected with BRCA2-related conditions. ClinVar contains an entry for this variant (Variation ID: 956490). Invitae Evidence Modeling of protein sequence and biophysical properties (such as structural, functional, and spatial information, amino acid conservation, physicochemical variation, residue mobility, and thermodynamic stability) indicates that this missense variant is not expected to disrupt BRCA2 protein function with a negative predictive value of 95%. In summary, the available evidence is currently insufficient to determine the role of this variant in disease. Therefore, it has been classified as a Variant of Uncertain Significance.

KCCC/NGS Laboratory, Kuwait Cancer Control Center
Classification: Uncertain significance for Breast-ovarian cancer, familial, susceptibility to, 2. Last evaluated: 2023-06-06. Review status: criteria provided, single submitter. Criteria: ACMG Guidelines, 2015. Collection method: clinical testing. Allele origin: germline. Affected: yes.
Comment: A variant of uncertain significance was detected in the BRCA2 gene (c.2941A>G). This sequence change replaces lysine with glutamic acid at codon 981 of the BRCA2 protein (p.Lys981Glu). The lysine residue is weakly conserved and there is a small physicochemical difference between lysine and glutamic acid. This variant is not present in population databases (gnomAD). This variant previously reported in ClinVar (ID: 956490). In-silico predictions show benign predictions from (BayesDel_addAF, DANN, EIGEN, FATHMM-MKL, M-CAP, MVP, MutationTaster, PrimateAI and SIFT) . The glutamic acid amino acid residue is found in multiple mammalian species, suggesting that this missense change does not adversely affect protein function. These predictions have not been confirmed by published functional studies and their clinical significance is uncertain. Therefore, it has been classified as a Variant of Uncertain Significance.

University of Washington Department of Laboratory Medicine, University of Washington
Classification: Likely benign for Hereditary cancer-predisposing syndrome. Last evaluated: 2023-03-23. Review status: criteria provided, single submitter. Criteria: Dines et al. (Genet Med. 2020). Collection method: curation. Allele origin: germline.
Comment: Missense variant in a coldspot region where missense variants are very unlikely to be pathogenic (PMID:31911673).

BRCA2 exon 11 coldspot. Reclassification based on statistical prior probability.

NM_000059.4(BRCA2):c.2941A>G (p.Lys981Glu)

Gene: BRCA2 (BRCA2 DNA repair associated; plus strand). Cytogenetic location: 13q13.1.
Variant type: single nucleotide variant.
Coding change: c.2941A>G on transcript NM_000059.4 (MANE Select); coding-DNA position 2941, A replaced by G.
Protein change: p.Lys981Glu; replaces lysine 981 with glutamic acid.
Molecular consequence: missense variant.
Genome position (GRCh38, 1-based): chr13:32,337,296, A>G. VCF-style: chr13-32337296-A-G. GRCh37 (hg19) VCF-style: chr13-32911433-A-G.
Other names: short protein forms K981E.
Identifiers: ClinVar variation 956490 (VCV000956490.13), dbSNP rs2072468449, ClinGen allele CA387774314.
Genomic context (GRCh38, chr13:32,337,296, plus strand): 5'-CAGCATATAAAAATGACTCTAGGTCAAGATTTAAAATCGGACATCTCCTTGAATATAGAT[A>G]AAATACCAGAAAAAAATAATGATTACATGAACAAATGGGCAGGACTCTTAGGTCCAATTT-3'
Protein context (NP_000050.3, residues 971-991): LKSDISLNID[Lys981Glu]IPEKNNDYMN